The following is an entry in ClinVar:

NM_000901.5(NR3C2):c.2603A>G (p.Glu868Gly)

Gene: NR3C2 (nuclear receptor subfamily 3 group C member 2; minus strand). Cytogenetic location: 4q31.23.
Variant type: single nucleotide variant.
Coding change: c.2603A>G on transcript NM_000901.5 (MANE Select); coding-DNA position 2603, A replaced by G.
Protein change: p.Glu868Gly; replaces glutamic acid 868 with glycine.
Molecular consequence: missense variant. On other transcripts: non-coding transcript variant (1).
Genome position (GRCh38, 1-based): chr4:148,120,196, T>C on the plus strand (A>G on the coding strand, the complement: NR3C2 is on the minus strand). VCF-style: chr4-148120196-T-C. GRCh37 (hg19) VCF-style: chr4-149041347-T-C.
Other names: c.2252A>G, p.Glu751Gly (NM_001166104.2, NM_001354819.1); c.2603A>G, p.Glu868Gly (NM_001437654.1, NM_001437655.1, NM_001437656.1); c.2615A>G, p.Glu872Gly (NM_001437657.1); short protein forms E751G, E868G, E872G.
Identifiers: ClinVar variation 5000008 (VCV005000008.1).

ClinVar aggregate classification (germline): Uncertain significance (1 of 4 stars; one submission).

Conditions:
NR3C2-related disorder. Also called: NR3C2-related condition; NR3C2-related disorders.

Submission:

PreventionGenetics, part of Exact Sciences
Classification: Uncertain significance for NR3C2-related condition. Last evaluated: 2024-12-30. Review status: criteria provided, single submitter. Criteria: ACMG Guidelines, 2015. Collection method: clinical testing. Allele origin: germline.
Comment: The NR3C2 c.2603A>G variant is predicted to result in the amino acid substitution p.Glu868Gly. To our knowledge, this variant has not been reported in the literature or in a large population database (gnomAD), indicating this variant is rare. At this time, the clinical significance of this variant is uncertain due to the absence of conclusive functional and genetic evidence.